The following is an entry in ClinVar:

NM_000321.3(RB1):c.1589_1590del (p.Lys530fs)

Gene: RB1 (RB transcriptional corepressor 1; plus strand). Cytogenetic location: 13q14.2.
Variant type: Deletion.
Coding change: c.1589_1590del on transcript NM_000321.3 (MANE Select); coding-DNA positions 1589 to 1590, 2 bases deleted (AA; older notation c.1589_1590delAA).
Protein change: p.Lys530fs; shifts the reading frame from lysine 530.
Molecular consequence: frameshift variant.
Genome position (GRCh38, 1-based): chr13:48,381,337-48,381,338, AA deleted; deleting any 2 consecutive bases within chr13:48,381,336-48,381,338 gives the same sequence; the c. name uses the placement nearest the transcript's 3' end. VCF-style (leftmost placement, unchanged base first): chr13-48381335-CAA-C. GRCh37 (hg19) VCF-style: chr13-48955471-CAA-C.
Other names: c.1589_1590del, p.Lys530fs (NM_001407165.1, NM_001407166.1); short protein forms K530fs.
Identifiers: ClinVar variation 3237011 (VCV003237011.1), dbSNP rs2542206741.
Genomic context (GRCh38, chr13:48,381,335, plus strand): 5'-AACAGATTTGTCTTTCCCATGGATTCTGAATGTGCTTAATTTAAAAGCCTTTGATTTTTA[CAA>C]AGTGATCGAAAGTTTTATCAAAGCAGAAGGCAACTTGACAAGAGAAATGATAAAACATTT-3'

ClinVar aggregate classification (germline): Pathogenic (1 of 4 stars; one submission).

Conditions:
Retinoblastoma (RB1). Also called: RETINOBLASTOMA, SOMATIC. Identifiers: Orphanet 790, MedGen C0035335, MeSH D012175, MONDO:0008380, OMIM 180200, HP:0009919. Disease mechanism: loss of function. Inheritance: Both sporadic and heritable forms are tested..

Submission:

Genetic Diagnostic Laboratory, University of Pennsylvania School of Medicine
Classification: Pathogenic for Retinoblastoma. Last evaluated: 2024-05-20. Review status: criteria provided, single submitter. Criteria: ACMG Guidelines, 2015. Collection method: clinical testing. Allele origin: germline. Affected: yes. Observed: 1 variant allele.
Comment: Case and Pedigree Information: BILATERAL CASES:1, UNILATERAL CASES:0, TOTAL CASES:1, PEDIGREES:1. ACMG Codes Applied:PVS1, PM2